The following is an entry in ClinVar:

ClinVar aggregate classification (germline): Uncertain significance (0 of 4 stars; one submission).

Conditions:
DEPDC5-related disorder. Also called: DEPDC5-related related disorder; DEPDC5-related condition.

Submission:

PreventionGenetics, part of Exact Sciences
Classification: Uncertain significance for DEPDC5-related condition. Last evaluated: 2024-08-31. Review status: no assertion criteria provided. Collection method: clinical testing. Allele origin: germline.
Comment: The DEPDC5 c.253G>A variant is predicted to result in the amino acid substitution p.Val85Ile. To our knowledge, this variant has not been reported in the literature. This variant is reported in 0.00088% of alleles in individuals of European (Non-Finnish) descent in gnomAD. At this time, the clinical significance of this variant is uncertain due to the absence of conclusive functional and genetic evidence.

NM_001242896.3(DEPDC5):c.253G>A (p.Val85Ile)

Gene: DEPDC5 (DEP domain containing 5, GATOR1 subcomplex subunit; plus strand). Cytogenetic location: 22q12.2.
Variant type: single nucleotide variant.
Coding change: c.253G>A on transcript NM_001242896.3 (MANE Select); coding-DNA position 253, G replaced by A.
Protein change: p.Val85Ile; replaces valine 85 with isoleucine.
Molecular consequence: missense variant. On other transcripts: non-coding transcript variant (5).
Genome position (GRCh38, 1-based): chr22:31,765,034, G>A. VCF-style: chr22-31765034-G-A. GRCh37 (hg19) VCF-style: chr22-32161020-G-A.
Other names: c.253G>A, p.Val85Ile (NM_001007188.4, NM_001136029.4, NM_001242897.2 and 9 more transcripts); short protein forms V85I.
Identifiers: ClinVar variation 3354490 (VCV003354490.1).
Genomic context (GRCh38, chr22:31,765,034, plus strand): 5'-GAAACTATCAGTGTGGACCAGACTGTGACTCAAGTGTTCCGGCTGAGACCTTATCAGGAT[G>A]TCTATGTTAATGTCGTAGACCCTAAGGTATGTCTTTGTTTTGTACTTGAATATCTTTTTG-3'
Protein context (NP_001229825.1, residues 75-95): QVFRLRPYQD[Val85Ile]YVNVVDPKDV